The following is an entry in ClinVar:

ClinVar aggregate classification (germline): Uncertain significance. Review status: criteria provided, multiple submitters, no conflicts (2 of 4 stars). 3 submissions from 3 submitters: Uncertain significance (3). Last evaluated 2026-01-01.

Conditions:
Inborn genetic diseases. Identifiers: MedGen C0950123, MeSH D030342.

Allele frequency attached by ClinVar (database versions not stated): gnomAD 0.00001; gnomAD exomes 0.00002; TOPMed 0.00002; ExAC 0.00004.
gnomAD v4.1: 35 of 1,610,878 alleles (0.0022%); highest among the groups gnomAD compares: Admixed American, 0.0083%; no homozygotes.

Submissions (3):

CeGaT Center for Human Genetics Tuebingen
Classification: Uncertain significance. Last evaluated: 2026-01-01. Review status: criteria provided, single submitter. Criteria: CeGaT Center For Human Genetics Tuebingen Variant Classification Criteria Version 2. Collection method: clinical testing. Allele origin: germline. Affected: yes. Observed: 1 variant allele.
Comment: VPS13A: PM2

Labcorp Genetics (formerly Invitae), Labcorp
Classification: Uncertain significance. Last evaluated: 2022-07-25. Review status: criteria provided, single submitter. Criteria: Invitae Variant Classification Sherloc (09022015). Collection method: clinical testing. Allele origin: germline.
Comment: This sequence change replaces aspartic acid, which is acidic and polar, with asparagine, which is neutral and polar, at codon 923 of the VPS13A protein (p.Asp923Asn). This variant is present in population databases (rs777546652, gnomAD 0.01%). This variant has not been reported in the literature in individuals affected with VPS13A-related conditions. Algorithms developed to predict the effect of missense changes on protein structure and function are either unavailable or do not agree on the potential impact of this missense change (SIFT: "Deleterious"; PolyPhen-2: "Possibly Damaging"; Align-GVGD: "Class C0"). In summary, the available evidence is currently insufficient to determine the role of this variant in disease. Therefore, it has been classified as a Variant of Uncertain Significance.

Ambry Genetics
Classification: Uncertain significance for Inborn genetic diseases. Last evaluated: 2021-07-08. Review status: criteria provided, single submitter. Criteria: Ambry Variant Classification Scheme 2023. Collection method: clinical testing. Allele origin: germline.

NM_033305.3(VPS13A):c.2767G>A (p.Asp923Asn)

Gene: VPS13A (vacuolar protein sorting 13 homolog A; plus strand). Cytogenetic location: 9q21.2.
Variant type: single nucleotide variant.
Coding change: c.2767G>A on transcript NM_033305.3 (MANE Select); coding-DNA position 2767, G replaced by A.
Protein change: p.Asp923Asn; replaces aspartic acid 923 with asparagine.
Molecular consequence: missense variant.
Genome position (GRCh38, 1-based): chr9:77,276,164, G>A. VCF-style: chr9-77276164-G-A. GRCh37 (hg19) VCF-style: chr9-79891080-G-A.
Other names: c.2767G>A, p.Asp923Asn (NM_001018037.2, NM_001018038.3, NM_015186.4); c.2767G>A (NM_033305.2); short protein forms D923N.
Identifiers: ClinVar variation 2160475 (VCV002160475.6), dbSNP rs777546652, ClinGen allele CA5092036.
Genomic context (GRCh38, chr9:77,276,164, plus strand): 5'-CTATCTGTGGTAGAAATTCTTGTTTTAGGATTGGGTGCAGAAATTGAGATTAGAACATAC[G>A]ATTTGAAAGCAAATGCCTTTTTGAAAGAGTTCTGCTTAAAATGCCCAGAATACTTGGGTA-3'
Protein context (NP_150648.2, residues 913-933): LGAEIEIRTY[Asp923Asn]LKANAFLKEF